The following is an entry in ClinVar:

NM_001018116.2(CAVIN4):c.409-26T>A

Gene: CAVIN4 (caveolae associated protein 4; plus strand). Cytogenetic location: 9q31.1.
Variant type: single nucleotide variant.
Coding change: c.409-26T>A on transcript NM_001018116.2 (MANE Select); 26 bases into the intron before coding-DNA position 409, T replaced by A.
Molecular consequence: intron variant.
Genome position (GRCh38, 1-based): chr9:100,585,739, T>A. VCF-style: chr9-100585739-T-A. GRCh37 (hg19) VCF-style: chr9-103348021-T-A.
Identifiers: ClinVar variation 676361 (VCV000676361.2), dbSNP rs114611462, ClinGen allele CA5160068.

ClinVar aggregate classification (germline): Likely benign. Review status: criteria provided, multiple submitters, no conflicts (2 of 4 stars). 2 submissions from 2 submitters: Likely benign (2). Last evaluated 2018-06-14.

Allele frequency attached by ClinVar (database versions not stated): ExAC 0.00422; gnomAD 0.01210 and 0.01284; TOPMed 0.01361; 1000 Genomes Project 0.01418; ESP Exome Variant Server 0.01453; 1000 Genomes Project 30x 0.01546.
gnomAD v4.1: 3,550 of 1,581,480 alleles (0.22%); highest among the groups gnomAD compares: African/African-American, 4.2%; 62 homozygotes.

Submissions (2):

GeneDx
Classification: Likely benign. Last evaluated: 2018-06-14. Review status: criteria provided, single submitter. Criteria: GeneDx Variant Classification (06012015). Collection method: clinical testing. Allele origin: germline. Affected: yes.
Comment: This variant is considered likely benign or benign based on one or more of the following criteria: it is a conservative change, it occurs at a poorly conserved position in the protein, it is predicted to be benign by multiple in silico algorithms, and/or has population frequency not consistent with disease.

Breakthrough Genomics
Classification: Likely benign. Review status: criteria provided, single submitter. Criteria: ACMG Guidelines, 2015. Collection method: not provided. Allele origin: germline. Inheritance: Unknown mechanism. Affected: yes.